The following is an entry in ClinVar:

ClinVar aggregate classification (germline): Likely pathogenic (1 of 4 stars; one submission).

Conditions:
Hereditary cancer-predisposing syndrome. Also called: Tumor predisposition; Hereditary neoplastic syndrome; Neoplastic Syndromes, Hereditary; Hereditary Cancer Syndrome. Identifiers: Orphanet 140162, MedGen C0027672, MeSH D009386, MONDO:0015356.

Submission:

Ambry Genetics
Classification: Likely pathogenic for Hereditary cancer-predisposing syndrome. Last evaluated: 2025-05-08. Review status: criteria provided, single submitter. Criteria: Ambry Variant Classification Scheme 2023. Collection method: clinical testing. Allele origin: germline.
Comment: The c.375_375+3delGGTAinsACC variant results from a deletion of 4 nucleotides and insertion of 3 nucleotides at positions c.375 to c.375+3 and involves the canonical splice donor site after coding exon 5 of the BAP1 gene. The canonical splice donor site is highly conserved in available vertebrate species. In silico splice site analysis predicts that this alteration may result in the creation or strengthening of a novel splice donor site; however, direct evidence is insufficient at this time (Ambry internal data). Alterations that disrupt the canonical splice site are expected to cause aberrant splicing, resulting in an abnormal protein or a transcript that is subject to nonsense-mediated mRNA decay. This variant is considered to be rare based on population cohorts in the Genome Aggregation Database (gnomAD). As such, this alteration is classified as likely pathogenic.

NM_004656.4(BAP1):c.375_375+3delinsACC

Gene: BAP1 (BRCA1 associated deubiquitinase 1; minus strand). Cytogenetic location: 3p21.1.
Variant type: Indel.
Coding change: c.375_375+3delinsACC on transcript NM_004656.4 (MANE Select); coding-DNA position 375 through 3 bases into the intron after coding-DNA position 375, GGTA replaced by ACC.
Molecular consequence: splice donor variant.
Genome position (GRCh38, 1-based): chr3:52,407,955-52,407,958, TACC replaced by GGT on the plus strand (GGTA replaced by ACC on the coding strand, the reverse complement: BAP1 is on the minus strand). VCF-style: chr3-52407955-TACC-GGT. GRCh37 (hg19) VCF-style: chr3-52441971-TACC-GGT.
Other names: c.375_375+3delinsACC (NM_001410772.1).
Identifiers: ClinVar variation 3986900 (VCV003986900.1).